The following is an entry in ClinVar:

ClinVar aggregate classification (germline): Pathogenic/Likely pathogenic. Review status: criteria provided, multiple submitters, no conflicts (2 of 4 stars). 6 submissions from 6 submitters: Pathogenic (3); Likely pathogenic (3). Last evaluated 2026-06-18.

Conditions:
Autosomal recessive limb-girdle muscular dystrophy type 2K. Also called: MUSCULAR DYSTROPHY, LIMB-GIRDLE, TYPE 2K; MUSCULAR DYSTROPHY-DYSTROGLYCANOPATHY (LIMB-GIRDLE), TYPE C, 1. Identifiers: Orphanet 86812, MedGen C1836373, MONDO:0012248, OMIM 609308.
Walker-Warburg congenital muscular dystrophy. Also called: Muscular dystrophy-dystroglycanopathy, type A; Walker-Warburg syndrome. Identifiers: Orphanet 899, MedGen C0265221, MONDO:0000171.
Muscular dystrophy-dystroglycanopathy (congenital with impaired intellectual development), type B, 1. Also called: Muscular dystrophy-dystroglycanopathy (congenital with intellectual disability), type B1; MUSCULAR DYSTROPHY, CONGENITAL, POMT1-RELATED. Identifiers: MedGen C5436962, MONDO:0013159, OMIM 613155.
POMT1-related disorder. Also called: POMT1-related disorders; POMT1-related condition.
Muscular dystrophy-dystroglycanopathy (congenital with brain and eye anomalies), type A1 (MDDGA1). Also called: WALKER-WARBURG SYNDROME OR MUSCLE-EYE-BRAIN DISEASE, POMT1-RELATED; Hydrocephalus, agyria and retinal dysplasia; Hard +/- E syndrome; Warburg syndrome; Chemke syndrome; Pagon syndrome. Identifiers: Orphanet 588, Orphanet 899, MedGen C4284790, MONDO:0009364, OMIM 236670.

Submissions (6):

PreventionGenetics, part of Exact Sciences
Classification: Likely pathogenic for POMT1-related condition. Last evaluated: 2026-06-18. Review status: criteria provided, single submitter. Criteria: ACMG Guidelines, 2015. Collection method: clinical testing. Allele origin: germline.
Comment: The POMT1 c.180_182delCTT variant is predicted to result in an in-frame deletion (p.Phe60del). This variant was reported in the compound heterozygous state with a pathogenic POMT1 loss-of-function variant in an individual with cobblestone lissencephaly (Devisme et al 2012. PubMed ID: 22323514, family F29 in Supplementary Table I, described as [c.178-180delTTC], p.60del). It has also been reported in the compound heterozygous state with a possibly pathogenic POMT1 missense variant in an individual with congenital muscular dystrophy with intellectual disability. Advanced dystrophic changes and absent glycosylated alpha-dystroglycan were noted on histopathological analysis of a muscle biopsy from the reported patient. Additionally, protein O-mannosyltransferase (POMT) activity in patient fibroblasts was markedly reduced relative to control (Yang H et al 2016. PubMed ID: 27193224, Case 4). This variant is reported in 0.0058% of alleles in individuals of Latino descent in gnomAD. Taken together, this variant is interpreted as likely pathogenic.

Labcorp Genetics (formerly Invitae), Labcorp
Classification: Pathogenic for Muscular dystrophy-dystroglycanopathy (congenital with impaired intellectual development), type B, 1; Walker-Warburg congenital muscular dystrophy; Autosomal recessive limb-girdle muscular dystrophy type 2K. Last evaluated: 2026-01-11. Review status: criteria provided, single submitter. Criteria: Invitae Variant Classification Sherloc (09022015). Collection method: clinical testing. Allele origin: germline.
Comment: This variant, c.180_182del, results in the deletion of 1 amino acid(s) of the POMT1 protein (p.Phe60del), but otherwise preserves the integrity of the reading frame. This variant is present in population databases (rs750195040, gnomAD 0.006%). This variant has been observed in individual(s) with cobblestone lissencephaly and/or severe congenital muscular dystrophy (PMID: 17559086, 22323514, 27193224; internal data). In at least one individual the data is consistent with being in trans (on the opposite chromosome) from a pathogenic variant. This variant is also known as c.178-180delTTC. ClinVar contains an entry for this variant (Variation ID: 431953). For these reasons, this variant has been classified as Pathogenic.

GeneDx
Classification: Pathogenic. Last evaluated: 2025-06-09. Review status: criteria provided, single submitter. Criteria: GeneDx Variant Classification Process June 2021. Collection method: clinical testing. Allele origin: germline. Affected: yes.
Comment: Published functional studies demonstrate a that the variant results in reduced enzyme activity (PMID: 27193224); In silico analysis supports a deleterious effect on protein structure/function; In-frame deletion of 1 amino acid(s) in a non-repeat region; Not observed at significant frequency in large population cohorts (gnomAD); This variant is associated with the following publications: (PMID: 17559086, 22323514, 31589614, 33200426, 27193224, 34930662, 22549409, 35863218)

HudsonAlpha Institute for Biotechnology
Classification: Pathogenic for Autosomal recessive limb-girdle muscular dystrophy type 2K. Last evaluated: 2024-09-24. Review status: criteria provided, single submitter. Criteria: ACMG Guidelines, 2015. Collection method: research. Allele origin: maternal. Observed: 1 compound heterozygote. Study: CSER-SouthSeq.
Comment: ACMG codes: PS3, PS4_Moderate, PM2, PM3, PM4

Fulgent Genetics
Classification: Likely pathogenic for Muscular dystrophy-dystroglycanopathy (congenital with brain and eye anomalies), type A1; Autosomal recessive limb-girdle muscular dystrophy type 2K; Muscular dystrophy-dystroglycanopathy (congenital with impaired intellectual development), type B, 1. Last evaluated: 2024-04-18. Review status: criteria provided, single submitter. Criteria: ACMG Guidelines, 2015. Collection method: clinical testing. Allele origin: germline.

Baylor Genetics
Classification: Likely pathogenic for Muscular dystrophy-dystroglycanopathy (congenital with brain and eye anomalies), type A1. Last evaluated: 2023-04-21. Review status: criteria provided, single submitter. Criteria: ACMG Guidelines, 2015. Collection method: clinical testing. Allele origin: unknown.

Literature cited by the submitters: PubMed 17559086 (cited by Labcorp Genetics (formerly Invitae), Labcorp); PubMed 22323514 (cited by Labcorp Genetics (formerly Invitae), Labcorp); PubMed 27193224 (cited by Labcorp Genetics (formerly Invitae), Labcorp).

NM_001077365.2(POMT1):c.174CTT[2] (p.Phe60del)

Gene: POMT1 (protein O-mannosyltransferase 1; plus strand). Cytogenetic location: 9q34.13.
Variant type: Microsatellite.
Coding change: c.174CTT[2] on transcript NM_001077365.2 (MANE Select); two copies in a row of the 3-base unit CTT starting at c.174; the reference has three copies in a row; one copy, 3 bases deleted.
Protein change: p.Phe60del; deletes phenylalanine 60.
Molecular consequence: inframe deletion. On other transcripts: non-coding transcript variant (7), intron variant (8).
Genome position (GRCh38, 1-based): chr9:131,506,171-131,506,173, CTT deleted; deleting any 3 consecutive bases within chr9:131,506,164-131,506,173 gives the same sequence; the position shown is the placement nearest the transcript's 3' end. VCF-style (leftmost placement, unchanged base first): chr9-131506163-ATCT-A. GRCh37 (hg19) VCF-style: chr9-134381550-ATCT-A.
Other names: c.180_182delCTT (NM_007171.3); c.173_175delTCT (NM_007171.3); c.180_182del (NM_007171.4); c.174_176CTT[2], p.Phe60del (NM_001077365.2); c.12CTT[2], p.Phe6del (NM_001077366.2, NM_001353194.2, NM_001353197.2 and 3 more transcripts); c.174CTT[2], p.Phe60del (NM_001136113.2, NM_001353193.2, NM_001374690.1 and 1 more transcripts); c.-71-1204TCT[2] (NM_001374691.1, NM_001374692.1); c.123-239TCT[2] (NM_001353196.2); and 3 more; short protein forms F60del, F6del.
Identifiers: ClinVar variation 431953 (VCV000431953.22), dbSNP rs750195040, ClinGen allele CA5293176.